The following is an entry in ClinVar:

NM_032383.5(HPS3):c.1685_1686delinsT (p.Tyr562fs)

Gene: HPS3 (HPS3 biogenesis of lysosomal organelles complex 2 subunit 1; plus strand). Cytogenetic location: 3q24.
Variant type: Indel.
Coding change: c.1685_1686delinsT on transcript NM_032383.5 (MANE Select); coding-DNA positions 1685 to 1686, AC replaced by T.
Protein change: p.Tyr562fs; shifts the reading frame from tyrosine 562.
Molecular consequence: frameshift variant.
Genome position (GRCh38, 1-based): chr3:149,157,525-149,157,526, AC replaced by T. VCF-style: chr3-149157525-AC-T. GRCh37 (hg19) VCF-style: chr3-148875312-AC-T.
Other names: c.1190_1191delinsT, p.Tyr397fs (NM_001308258.2); short protein forms Y397fs, Y562fs.
Identifiers: ClinVar variation 1724412 (VCV001724412.2), dbSNP rs2473107472, ClinGen allele CA2580068924.
Genomic context (GRCh38, chr3:149,157,525, plus strand): 5'-GAGAGAAGGCAGAGCTTTTGGAAGCATTTAAGGAAAGCTGTGGGCACCTTGGGGACTGTT[AC>T]AGCAGGTGGGTGACACCTCTTGGAACCTTGTTACAGAAGTCATCTTGAACTTTGGGTACA-3'

ClinVar aggregate classification (germline): Likely pathogenic (1 of 4 stars; one submission).

Conditions:
Hermansky-Pudlak syndrome 3 (HPS3). Identifiers: Orphanet 231512, Orphanet 79430, MedGen C3888001, MONDO:0013555, OMIM 614072.

Submission:

Myriad Genetics, Inc.
Classification: Likely pathogenic for Hermansky-Pudlak syndrome 3. Last evaluated: 2022-02-12. Review status: criteria provided, single submitter. Criteria: Myriad Women's Health Autosomal Recessive and X-Linked Classification Criteria (2021). Collection method: clinical testing. Allele origin: unknown.
Comment: NM_032383.3(HPS3):c.1685_1686delACinsT(Y562Lfs*34) is expected to be pathogenic in the context of Hermansky-Pudlak syndrome type 3. This variant is predicted to lead to an abnormal or absent protein product due to the creation of a premature termination codon in HPS3, a gene where loss-of-function variants are known to be pathogenic. Please note: this variant was assessed in the context of healthy population screening.